The following is an entry in ClinVar:

NM_016341.4(PLCE1):c.*166G>C

Genes: NOC3L (NOC3 like DNA replication regulator; minus strand), PLCE1 (phospholipase C epsilon 1; plus strand). Cytogenetic location: 10q23.33.
Variant type: single nucleotide variant.
Coding change: c.*166G>C on transcript NM_016341.4 (MANE Select); 166 bases downstream of the stop codon, G replaced by C.
Molecular consequence: 3 prime UTR variant.
Genome position (GRCh38, 1-based): chr10:94,328,109, G>C. VCF-style: chr10-94328109-G-C. GRCh37 (hg19) VCF-style: chr10-96087866-G-C.
Other names: c.*166G>C (NM_001165979.2, NM_001288989.2).
Identifiers: ClinVar variation 301737 (VCV000301737.8), dbSNP rs11187870, ClinGen allele CA10632927.

ClinVar aggregate classification (germline): Benign. Review status: criteria provided, multiple submitters, no conflicts (2 of 4 stars). 3 submissions from 3 submitters: Benign (3). Last evaluated 2022-09-27.

Conditions:
Nephrotic syndrome, type 3 (NPHS3). Also called: NEPHROTIC SYNDROME, EARLY-ONSET, TYPE 3. Identifiers: Orphanet 656, MedGen C1853124, MONDO:0012546, OMIM 610725.
Focal segmental glomerulosclerosis (FSGS). Also called: Glomerulosclerosis, focal; Focal sclerosis with hyalinosis. Identifiers: MedGen C0017668, MONDO:0100313, HP:0000097. Disease mechanism: loss of function.

Allele frequency attached by ClinVar (database versions not stated): gnomAD 0.06391 and 0.06646; TOPMed 0.06899; 1000 Genomes Project 30x 0.07386; gnomAD exomes 0.07449; 1000 Genomes Project 0.07847.
gnomAD v4.1: 28,610 of 397,822 alleles (7.2%); highest among the groups gnomAD compares: East Asian, 19%; 1,438 homozygotes.

Submissions (3):

Genome Diagnostics Laboratory, The Hospital for Sick Children
Classification: Benign for Focal segmental glomerulosclerosis. Last evaluated: 2022-09-27. Review status: criteria provided, single submitter. Criteria: ACMG Guidelines, 2015. Collection method: clinical testing. Allele origin: germline.

Illumina Laboratory Services, Illumina
Classification: Benign for Nephrotic syndrome, type 3. Last evaluated: 2018-03-06. Review status: criteria provided, single submitter. Criteria: ICSL Variant Classification Criteria 13 December 2019. Collection method: clinical testing. Allele origin: germline.
Comment: This variant was observed in the ICSL laboratory as part of a predisposition screen in an ostensibly healthy population. It had not been previously curated by ICSL or reported in the Human Gene Mutation Database (HGMD: prior to June 1st, 2018), and was therefore a candidate for classification through an automated scoring system. Utilizing variant allele frequency, disease prevalence and penetrance estimates, and inheritance mode, an automated score was calculated to assess if this variant is too frequent to cause the disease. Based on the score and internal cut-off values, a variant classified as benign is not then subjected to further curation. The score for this variant resulted in a classification of benign for this disease.

Breakthrough Genomics
Classification: Benign. Review status: criteria provided, single submitter. Criteria: ACMG Guidelines, 2015. Collection method: not provided. Allele origin: germline. Inheritance: Autosomal recessive inheritance. Affected: yes.